The following is an entry in ClinVar:

NM_025114.4(CEP290):c.4263del (p.Phe1421fs)

Gene: CEP290 (centrosomal protein 290; minus strand). Cytogenetic location: 12q21.32.
Variant type: Deletion.
Coding change: c.4263del on transcript NM_025114.4 (MANE Select); coding-DNA position 4263, one base deleted (T; older notation c.4263delT).
Protein change: p.Phe1421fs; shifts the reading frame from phenylalanine 1421.
Molecular consequence: frameshift variant.
Genome position (GRCh38, 1-based): chr12:88,086,430, A deleted on the plus strand (T on the coding strand, the reverse complement: CEP290 is on the minus strand); the first of 5 consecutive A bases (chr12:88,086,430-88,086,434); deleting any one gives the same sequence. VCF-style (leftmost placement, unchanged base first): chr12-88086429-CA-C. GRCh37 (hg19) VCF-style: chr12-88480206-CA-C.
Other names: short protein forms F1421fs.
Identifiers: ClinVar variation 1370503 (VCV001370503.7), dbSNP rs2137219551, ClinGen allele CA2573149058.

ClinVar aggregate classification (germline): Pathogenic. Review status: criteria provided, multiple submitters, no conflicts (2 of 4 stars). 2 submissions from 2 submitters: Pathogenic (2). Last evaluated 2026-03-18.

Conditions:
CEP290-related ciliopathy. Also called: CEP290 ciliopathy. Identifiers: MedGen CN305601, MONDO:0100451.
Meckel-Gruber syndrome. Also called: Dysencephalia splachnocystica; DYSENCEPHALIA SPLANCHNOCYSTICA; GRUBER SYNDROME. Identifiers: Orphanet 564, MedGen C0265215, MONDO:0018921.
Nephronophthisis. Also called: Juvenile Nephronophthisis. Identifiers: Orphanet 655, MedGen C0687120, MONDO:0019005, HP:0000090.
Joubert syndrome. Also called: Familial aplasia of the vermis; JOUBERT-BOLTSHAUSER SYNDROME. Identifiers: Orphanet 475, MedGen C5979921, MONDO:0018772.

Submissions (2):

Myriad Genetics, Inc.
Classification: Pathogenic for CEP290-related ciliopathy. Last evaluated: 2026-03-18. Review status: criteria provided, single submitter. Criteria: Myriad Autosomal Dominant, Autosomal Recessive and X-Linked Classification Criteria (2023). Collection method: clinical testing. Allele origin: unknown.
Comment: NM_025114.3(CEP290):c.4263delT(F1421Lfs*9) is expected to be pathogenic in the context of CEP290-related disorders. This variant is predicted to lead to an abnormal or absent protein product due to the creation of a premature termination codon in CEP290, a gene where loss-of-function variants are known to be pathogenic. Please note: this variant was assessed in the context of healthy population screening.

Labcorp Genetics (formerly Invitae), Labcorp
Classification: Pathogenic for Joubert syndrome; Meckel-Gruber syndrome; Nephronophthisis. Last evaluated: 2022-01-26. Review status: criteria provided, single submitter. Criteria: Invitae Variant Classification Sherloc (09022015). Collection method: clinical testing. Allele origin: germline.
Comment: For these reasons, this variant has been classified as Pathogenic. This variant has not been reported in the literature in individuals affected with CEP290-related conditions. This variant is not present in population databases (gnomAD no frequency). This sequence change creates a premature translational stop signal (p.Phe1421Leufs*9) in the CEP290 gene. It is expected to result in an absent or disrupted protein product. Loss-of-function variants in CEP290 are known to be pathogenic (PMID: 16909394, 17345604, 20690115).

Literature cited by the submitters: PubMed 16909394 (cited by Labcorp Genetics (formerly Invitae), Labcorp); PubMed 17345604 (cited by Labcorp Genetics (formerly Invitae), Labcorp); PubMed 20690115 (cited by Labcorp Genetics (formerly Invitae), Labcorp).